The following is an entry in ClinVar:

ClinVar aggregate classification (germline): Conflicting classifications of pathogenicity. Review status: criteria provided, conflicting classifications (1 of 4 stars). 5 submissions from 5 submitters: Likely pathogenic (1); Uncertain significance (3). 1 of the submissions does not count toward it. Last evaluated 2025-09-03.

Conditions:
Usher syndrome type 1 (USH1). Also called: RETINITIS PIGMENTOSA AND CONGENITAL DEAFNESS. Identifiers: Orphanet 231169, Orphanet 886, MedGen C1568247, MONDO:0010168, OMIM 276900.
Autosomal dominant nonsyndromic hearing loss 11. Identifiers: Orphanet 90635, MedGen C1832475, MONDO:0011032, OMIM 601317.
Usher syndrome type 1B (USH1B). Also called: Usher syndrome type IB. Identifiers: MedGen C1848638, MONDO:0700087.

Allele frequency attached by ClinVar (database versions not stated): TOPMed below 0.00001; gnomAD 0.00001; ExAC 0.00006.

Submissions (5):

Myriad Genetics, Inc.
Classification: Uncertain significance for Usher syndrome type 1. Last evaluated: 2025-09-03. Review status: criteria provided, single submitter. Criteria: Myriad Autosomal Dominant, Autosomal Recessive and X-Linked Classification Criteria (2023). Collection method: clinical testing. Allele origin: unknown.
Comment: NM_000260.3(MYO7A):c.6622C>T(Q2208*) is a nonsense variant classified as a variant of uncertain significance in the context of MYO7A-related disorders. Q2208* has been observed in a case with relevant disease (PMID: 36633841). Relevant functional assessments of this variant are not available in the literature. Q2208* has been observed in referenced population frequency databases. In summary, there is insufficient evidence to classify NM_000260.3(MYO7A):c.6622C>T(Q2208*) as pathogenic or benign. Please note: this variant was assessed in the context of healthy population screening.

King Laboratory, University of Washington
Classification: Likely pathogenic for Autosomal dominant nonsyndromic hearing loss 11. Last evaluated: 2023-02-28. Review status: criteria provided, single submitter. Criteria: Li et al. (Genet Med. 2022). Collection method: research. Allele origin: unknown. Affected: yes.
Comment: This patient’s family has no other history of hearing loss. This variant is a nonsense that creates an early stop at position 2208 of the otherwise 2215 amino acid MYO7A protein. This stop is located within the final MYO7A exon and therefore extant truncated protein could interfere with the function of unaffected protein from the other allele, leading to a dominant inheritance pattern. As of January 2023, this variant has been reported to ClinVar as a variant of unknown significance and is not found on gnomAD. Based on the prediction that this variant leads to a truncated protein and goodness of fit of genotype to phenotype, we conclude that this variant is likely pathogenic.

GeneDx
Classification: Uncertain significance. Last evaluated: 2022-05-12. Review status: criteria provided, single submitter. Criteria: GeneDx Variant Classification Process June 2021. Collection method: clinical testing. Allele origin: germline. Affected: yes.
Comment: Nonsense variant predicted to result in protein truncation as the last 8 amino acids are lost, although loss-of-function variants have not been reported downstream of this position in the protein; Has not been previously published as pathogenic or benign to our knowledge

Laboratory for Molecular Medicine, Mass General Brigham Personalized Medicine
Classification: Uncertain significance. Last evaluated: 2016-05-16. Review status: criteria provided, single submitter. Criteria: LMM Criteria. Collection method: clinical testing. Allele origin: germline. Observed: 1 variant allele.
Comment: The p.Gln2208X variant in MYO7A has not been previously reported in individuals with hearing loss. This variant was identified in 1/1250 Latino and 1/17806 Euro pean chromosomes by the Exome Aggregation Consortium (ExAC; dbSNP rs747095250). Although this variant has been seen in the gener al population, its frequency is not high enough to rule out a pathogenic role. T his nonsense variant leads to a premature termination codon at amino acid positi on 2208. There are a total of 2216 amino acids in the MYO7A protein (NM_000260. 3). Therefore, this alteration occurs within the terminal 50 bases of the last e xon and is more likely to escape nonsense mediated decay (NMD) and result in a t runcated protein. Whether the truncation of 8 amino acids disrupts the function of the MYO7A protein is unknown. In summary, the clinical significance of the p. Gln2208X variant is uncertain.

Natera, Inc.
Classification: Uncertain significance for Usher syndrome type 1B. Last evaluated: 2021-03-08. Review status: no assertion criteria provided. Collection method: clinical testing. Allele origin: germline. Not counted in ClinVar's aggregate classification.

Literature cited by the submitters: PubMed 36633841 (cited by Myriad Genetics, Inc. and King Laboratory, University of Washington).

NM_000260.4(MYO7A):c.6622C>T (p.Gln2208Ter)

Gene: MYO7A (myosin VIIA; plus strand). Cytogenetic location: 11q13.5.
Variant type: single nucleotide variant.
Coding change: c.6622C>T on transcript NM_000260.4 (MANE Select); coding-DNA position 6622, C replaced by T.
Protein change: p.Gln2208Ter; replaces glutamine 2208 with a stop codon.
Molecular consequence: nonsense.
Genome position (GRCh38, 1-based): chr11:77,214,670, C>T. VCF-style: chr11-77214670-C-T. GRCh37 (hg19) VCF-style: chr11-76925715-C-T.
Other names: c.6502C>T, p.Gln2168Ter (NM_001127180.2); c.6475C>T, p.Gln2159Ter (NM_001369365.1); short protein forms Q2208*, Q2159*, Q2168*.
Identifiers: ClinVar variation 505014 (VCV000505014.9), dbSNP rs747095250, ClinGen allele CA6199136.